The following is an entry in ClinVar:

ClinVar aggregate classification (germline): Uncertain significance. Review status: criteria provided, multiple submitters, no conflicts (2 of 4 stars). 2 submissions from 2 submitters: Uncertain significance (2). Last evaluated 2024-12-11.

Conditions:
Inborn genetic diseases. Identifiers: MedGen C0950123, MeSH D030342.

Allele frequency attached by ClinVar (database versions not stated): gnomAD exomes below 0.00001; ExAC 0.00001.
gnomAD v4.1: 4 of 1,614,108 alleles (0.00025%); highest among the groups gnomAD compares: African/African-American, 0.0053%; no homozygotes.

Submissions (2):

Ambry Genetics
Classification: Uncertain significance for Inborn genetic diseases. Last evaluated: 2024-12-11. Review status: criteria provided, single submitter. Criteria: Ambry Variant Classification Scheme 2023. Collection method: clinical testing. Allele origin: germline.

Labcorp Genetics (formerly Invitae), Labcorp
Classification: Uncertain significance. Last evaluated: 2022-10-05. Review status: criteria provided, single submitter. Criteria: Invitae Variant Classification Sherloc (09022015). Collection method: clinical testing. Allele origin: germline.
Comment: This sequence change replaces threonine, which is neutral and polar, with isoleucine, which is neutral and non-polar, at codon 3929 of the LRP2 protein (p.Thr3929Ile). This variant is present in population databases (rs778793020, gnomAD 0.007%). This variant has not been reported in the literature in individuals affected with LRP2-related conditions. ClinVar contains an entry for this variant (Variation ID: 1348256). Advanced modeling of protein sequence and biophysical properties (such as structural, functional, and spatial information, amino acid conservation, physicochemical variation, residue mobility, and thermodynamic stability) has been performed at Invitae for this missense variant, however the output from this modeling did not meet the statistical confidence thresholds required to predict the impact of this variant on LRP2 protein function. In summary, the available evidence is currently insufficient to determine the role of this variant in disease. Therefore, it has been classified as a Variant of Uncertain Significance.

NM_004525.3(LRP2):c.11786C>T (p.Thr3929Ile)

Gene: LRP2 (LDL receptor related protein 2; minus strand). Cytogenetic location: 2q31.1.
Variant type: single nucleotide variant.
Coding change: c.11786C>T on transcript NM_004525.3 (MANE Select); coding-DNA position 11786, C replaced by T.
Protein change: p.Thr3929Ile; replaces threonine 3929 with isoleucine.
Molecular consequence: missense variant.
Genome position (GRCh38, 1-based): chr2:169,162,573, G>A on the plus strand (C>T on the coding strand, the complement: LRP2 is on the minus strand). VCF-style: chr2-169162573-G-A. GRCh37 (hg19) VCF-style: chr2-170019083-G-A.
Other names: c.11786C>T (NM_004525.2); short protein forms T3929I.
Identifiers: ClinVar variation 1348256 (VCV001348256.6), dbSNP rs778793020, ClinGen allele CA1952961.